The following is an entry in ClinVar:

ClinVar aggregate classification (germline): Uncertain significance (1 of 4 stars; one submission).

Submission:

Labcorp Genetics (formerly Invitae), Labcorp
Classification: Uncertain significance. Last evaluated: 2023-10-11. Review status: criteria provided, single submitter. Criteria: Invitae Variant Classification Sherloc (09022015). Collection method: clinical testing. Allele origin: germline.
Comment: This sequence change replaces glycine, which is neutral and non-polar, with aspartic acid, which is acidic and polar, at codon 1518 of the NSD1 protein (p.Gly1518Asp). This variant is not present in population databases (gnomAD no frequency). This variant has not been reported in the literature in individuals affected with NSD1-related conditions. Advanced modeling of protein sequence and biophysical properties (such as structural, functional, and spatial information, amino acid conservation, physicochemical variation, residue mobility, and thermodynamic stability) performed at Invitae indicates that this missense variant is not expected to disrupt NSD1 protein function. In summary, the available evidence is currently insufficient to determine the role of this variant in disease. Therefore, it has been classified as a Variant of Uncertain Significance.

NM_022455.5(NSD1):c.4553G>A (p.Gly1518Asp)

Gene: NSD1 (nuclear receptor binding SET domain protein 1; plus strand). Cytogenetic location: 5q35.3.
Variant type: single nucleotide variant.
Coding change: c.4553G>A on transcript NM_022455.5 (MANE Select); coding-DNA position 4553, G replaced by A.
Protein change: p.Gly1518Asp; replaces glycine 1518 with aspartic acid.
Molecular consequence: missense variant.
Genome position (GRCh38, 1-based): chr5:177,248,236, G>A. VCF-style: chr5-177248236-G-A. GRCh37 (hg19) VCF-style: chr5-176675237-G-A.
Other names: c.4553G>A, p.Gly1518Asp (NM_001409303.1, NM_001409301.1, NM_001409302.1); c.4133G>A, p.Gly1378Asp (NM_001409304.1); c.3800G>A, p.Gly1267Asp (NM_001409305.1); c.3680G>A, p.Gly1227Asp (NM_001409306.1, NM_001409307.1, NM_001409308.1 and 3 more transcripts); short protein forms G1518D, G1267D, G1378D, G1227D.
Identifiers: ClinVar variation 3729860 (VCV003729860.2).
Genomic context (GRCh38, chr5:177,248,236, plus strand): 5'-GCAAGGGAGAACTAATGCCTCACAGGACGGCCACAAGCCCCAAGGAGACTGTTGAGGAAG[G>A]TGTAGAACACGATCCCGGGATGCCTGCCTCTAAAAAAATGCAGGGTGAACGCGGTGGAGG-3'
Protein context (NP_071900.2, residues 1508-1528): ATSPKETVEE[Gly1518Asp]VEHDPGMPAS